The following is an entry in ClinVar:

ClinVar aggregate classification (germline): Likely benign (1 of 4 stars; one submission).

Conditions:
Noonan syndrome 9 (NS9). Identifiers: Orphanet 648, MedGen C4225282, MONDO:0014691, OMIM 616559.

Submission:

Institute of Human Genetics, University of Leipzig Medical Center
Classification: Likely benign for Noonan syndrome 9. Last evaluated: 2026-06-09. Review status: criteria provided, single submitter. Criteria: ACMG Guidelines, 2015. Collection method: clinical testing. Allele origin: maternal. Inheritance: Autosomal dominant inheritance. Affected: yes.
Comment: Criteria applied: PM2_SUP,BS2_SUP,BP5

NM_006939.4(SOS2):c.1660T>C (p.Ser554Pro)

Gene: SOS2 (SOS Ras/Rho guanine nucleotide exchange factor 2; minus strand). Cytogenetic location: 14q21.3.
Variant type: single nucleotide variant.
Coding change: c.1660T>C on transcript NM_006939.4 (MANE Select); coding-DNA position 1660, T replaced by C.
Protein change: p.Ser554Pro; replaces serine 554 with proline.
Molecular consequence: missense variant.
Genome position (GRCh38, 1-based): chr14:50,159,623, A>G on the plus strand (T>C on the coding strand, the complement: SOS2 is on the minus strand). VCF-style: chr14-50159623-A-G. GRCh37 (hg19) VCF-style: chr14-50626341-A-G.
Other names: c.1561T>C, p.Ser521Pro (NM_001411020.1); short protein forms S521P, S554P.
Identifiers: ClinVar variation 4879416 (VCV004879416.1).